The following is an entry in ClinVar:

NM_032861.4(SERAC1):c.1933C>T (p.Arg645Cys)

Gene: SERAC1 (serine active site containing 1; minus strand). Cytogenetic location: 6q25.3.
Variant type: single nucleotide variant.
Coding change: c.1933C>T on transcript NM_032861.4 (MANE Select); coding-DNA position 1933, C replaced by T.
Protein change: p.Arg645Cys; replaces arginine 645 with cysteine.
Molecular consequence: missense variant.
Genome position (GRCh38, 1-based): chr6:158,111,398, G>A on the plus strand (C>T on the coding strand, the complement: SERAC1 is on the minus strand). VCF-style: chr6-158111398-G-A. GRCh37 (hg19) VCF-style: chr6-158532430-G-A.
Other names: short protein forms R645C.
Identifiers: ClinVar variation 1187183 (VCV001187183.14), dbSNP rs114624250, ClinGen allele CA4070906.

ClinVar aggregate classification (germline): Benign/Likely benign. Review status: criteria provided, multiple submitters, no conflicts (2 of 4 stars). 5 submissions from 5 submitters: Benign (1); Likely benign (3). 1 of the submissions does not count toward it. Last evaluated 2026-01-12.

Conditions:
SERAC1-related disorder. Also called: SERAC1-related condition; SERAC1-related disorders.
3-methylglutaconic aciduria with deafness, encephalopathy, and Leigh-like syndrome (MEGDEL). Also called: SERAC1 Deficiency; MEGDEL syndrome; 3-METHYLGLUTACONIC ACIDURIA, TYPE VI. Identifiers: Orphanet 352328, MedGen C4040739, MONDO:0013875, OMIM 614739.

Allele frequency attached by ClinVar (database versions not stated): gnomAD 0.00010 and 0.00017; TOPMed 0.00014; ESP Exome Variant Server 0.00015; gnomAD exomes 0.00026 and 0.00038; ExAC 0.00053.
gnomAD v4.1: 404 of 1,603,836 alleles (0.025%); highest among the groups gnomAD compares: East Asian, 0.53%; 3 homozygotes.

Submissions (5):

Labcorp Genetics (formerly Invitae), Labcorp
Classification: Benign for 3-methylglutaconic aciduria with deafness, encephalopathy, and Leigh-like syndrome. Last evaluated: 2026-01-12. Review status: criteria provided, single submitter. Criteria: Invitae Variant Classification Sherloc (09022015). Collection method: clinical testing. Allele origin: germline.

Blueprint Genetics
Classification: Likely benign. Last evaluated: 2024-10-01. Review status: criteria provided, single submitter. Criteria: ACMG Guidelines, 2015. Collection method: clinical testing. Allele origin: germline.

Genome-Nilou Lab
Classification: Likely benign for 3-methylglutaconic aciduria with deafness, encephalopathy, and Leigh-like syndrome. Last evaluated: 2022-03-15. Review status: criteria provided, single submitter. Criteria: ACMG Guidelines, 2015. Collection method: clinical testing. Allele origin: germline. Affected: no.

GeneDx
Classification: Likely benign. Last evaluated: 2021-02-04. Review status: criteria provided, single submitter. Criteria: GeneDx Variant Classification Process June 2021. Collection method: clinical testing. Allele origin: germline. Affected: yes.

PreventionGenetics, part of Exact Sciences
Classification: Likely benign for SERAC1-related condition. Last evaluated: 2024-07-15. Review status: no assertion criteria provided. Collection method: clinical testing. Allele origin: germline. Not counted in ClinVar's aggregate classification.
Comment: This variant is classified as likely benign based on ACMG/AMP sequence variant interpretation guidelines (Richards et al. 2015 PMID: 25741868, with internal and published modifications).